The following is an entry in ClinVar:

NM_001848.3(COL6A1):c.166G>A (p.Gly56Arg)

Gene: COL6A1 (collagen type VI alpha 1 chain; plus strand). Cytogenetic location: 21q22.3.
Variant type: single nucleotide variant.
Coding change: c.166G>A on transcript NM_001848.3 (MANE Select); coding-DNA position 166, G replaced by A.
Protein change: p.Gly56Arg; replaces glycine 56 with arginine.
Molecular consequence: missense variant.
Genome position (GRCh38, 1-based): chr21:45,982,702, G>A. VCF-style: chr21-45982702-G-A. GRCh37 (hg19) VCF-style: chr21-47402616-G-A.
Other names: short protein forms G56R.
Identifiers: ClinVar variation 2266603 (VCV002266603.3), dbSNP rs1348318806, ClinGen allele CA410514690.
Genomic context (GRCh38, chr21:45,982,702, plus strand): 5'-GTGGACCTGTTCTTTGTGCTGGACACCTCTGAGAGCGTGGCCCTGAGGCTGAAGCCCTAC[G>A]GGGCCCTCGTGGACAAAGTCAAGTCCTTCACCAAGCGCTTCATCGACAACCTGAGGGACA-3'
Protein context (NP_001839.2, residues 46-66): ESVALRLKPY[Gly56Arg]ALVDKVKSFT

ClinVar aggregate classification (germline): Uncertain significance (1 of 4 stars; one submission).

Conditions:
Inborn genetic diseases. Identifiers: MedGen C0950123, MeSH D030342.

Allele frequency attached by ClinVar (database versions not stated): gnomAD exomes below 0.00001.
gnomAD v4.1: 2 of 1,612,864 alleles (0.00012%); highest among the groups gnomAD compares: Admixed American, 0.0017%; no homozygotes.

Submission:

Ambry Genetics
Classification: Uncertain significance for Inborn genetic diseases. Last evaluated: 2026-06-03. Review status: criteria provided, single submitter. Criteria: Ambry Variant Classification Scheme 2023. Collection method: clinical testing. Allele origin: germline.
Comment: The c.166G>A (p.G56R) alteration is located in exon 2 (coding exon 2) of the COL6A1 gene. This alteration results from a G to A substitution at nucleotide position 166, causing the glycine (G) at amino acid position 56 to be replaced by an arginine (R). Based on data from gnomAD, the A allele has an overall frequency of <0.001% (1/250284) total alleles studied. The highest observed frequency was 0.003% (1/34574) of Latino alleles. Based on insufficient or conflicting evidence, the clinical significance of this alteration remains unclear.